The following is an entry in ClinVar:

NM_007186.6(CEP250):c.1716+4C>T

Genes: CEP250 (centrosomal protein 250; plus strand), CEP250-AS1 (CEP250 antisense RNA 1; minus strand). Cytogenetic location: 20q11.22.
Variant type: single nucleotide variant.
Coding change: c.1716+4C>T on transcript NM_007186.6 (MANE Select); 4 bases into the intron after coding-DNA position 1716, C replaced by T.
Molecular consequence: intron variant.
Genome position (GRCh38, 1-based): chr20:35,475,650, C>T. VCF-style: chr20-35475650-C-T. GRCh37 (hg19) VCF-style: chr20-34063475-C-T.
Other names: c.-184+4C>T (NM_001318219.1).
Identifiers: ClinVar variation 965780 (VCV000965780.8), dbSNP rs1241548210, ClinGen allele CA635354128.

ClinVar aggregate classification (germline): Conflicting classifications of pathogenicity. Review status: criteria provided, conflicting classifications (1 of 4 stars). 2 submissions from 2 submitters: Uncertain significance (1); Likely benign (1). Last evaluated 2021-12-19.

Allele frequency attached by ClinVar (database versions not stated): gnomAD exomes 0.00001; gnomAD 0.00003 and 0.00004; TOPMed 0.00004.
gnomAD v4.1: 24 of 1,612,686 alleles (0.0015%); highest among the groups gnomAD compares: Non-Finnish European, 0.0019%; no homozygotes.

Submissions (2):

Blueprint Genetics
Classification: Likely benign. Last evaluated: 2021-12-19. Review status: criteria provided, single submitter. Criteria: ACMG Guidelines, 2015. Collection method: clinical testing. Allele origin: germline.

Labcorp Genetics (formerly Invitae), Labcorp
Classification: Uncertain significance. Last evaluated: 2021-08-27. Review status: criteria provided, single submitter. Criteria: Invitae Variant Classification Sherloc (09022015). Collection method: clinical testing. Allele origin: germline.
Comment: This sequence change falls in intron 15 of the CEP250 gene. It does not directly change the encoded amino acid sequence of the CEP250 protein. It affects a nucleotide within the consensus splice site of the intron. This variant is not present in population databases (ExAC no frequency). This variant has not been reported in the literature in individuals affected with CEP250-related conditions. Variants that disrupt the consensus splice site are a relatively common cause of aberrant splicing (PMID: 17576681, 9536098). Algorithms developed to predict the effect of sequence changes on RNA splicing suggest that this variant is not likely to affect RNA splicing. In summary, the available evidence is currently insufficient to determine the role of this variant in disease. Therefore, it has been classified as a Variant of Uncertain Significance.

Literature cited by the submitters: PubMed 17576681 (cited by Labcorp Genetics (formerly Invitae), Labcorp); PubMed 9536098 (cited by Labcorp Genetics (formerly Invitae), Labcorp).